The following is an entry in ClinVar:

NM_005592.4(MUSK):c.629-5755C>T

Gene: MUSK (muscle associated receptor tyrosine kinase; plus strand). Cytogenetic location: 9q31.3.
Variant type: single nucleotide variant.
Coding change: c.629-5755C>T on transcript NM_005592.4 (MANE Select); 5755 bases into the intron before coding-DNA position 629, C replaced by T.
Molecular consequence: intron variant.
Genome position (GRCh38, 1-based): chr9:110,728,496, C>T. VCF-style: chr9-110728496-C-T. GRCh37 (hg19) VCF-style: chr9-113490776-C-T.
Other names: c.629-192C>T (NM_001166280.2); c.629-5755C>T (NM_001166281.2); c.-609+201C>T (NM_001369398.1).
Identifiers: ClinVar variation 683225 (VCV000683225.2), dbSNP rs10817087, ClinGen allele CA15591302.

ClinVar aggregate classification (germline): Benign. Review status: criteria provided, multiple submitters, no conflicts (2 of 4 stars). 2 submissions from 2 submitters: Benign (2). Last evaluated 2018-06-16.

Allele frequency attached by ClinVar (database versions not stated): 1000 Genomes Project 30x 0.84681; 1000 Genomes Project 0.84804; TOPMed 0.87300; gnomAD 0.88084 and 0.88774.
gnomAD v4.1: 133,945 of 152,096 alleles (88%); highest among the groups gnomAD compares: African/African-American, 93%; 59,367 homozygotes.

Submissions (2):

GeneDx
Classification: Benign. Last evaluated: 2018-06-16. Review status: criteria provided, single submitter. Criteria: GeneDx Variant Classification (06012015). Collection method: clinical testing. Allele origin: germline. Affected: yes.
Comment: This variant is considered likely benign or benign based on one or more of the following criteria: it is a conservative change, it occurs at a poorly conserved position in the protein, it is predicted to be benign by multiple in silico algorithms, and/or has population frequency not consistent with disease.

Breakthrough Genomics
Classification: Benign. Review status: criteria provided, single submitter. Criteria: ACMG Guidelines, 2015. Collection method: not provided. Allele origin: germline. Inheritance: Autosomal recessive inheritance. Affected: yes.